The following is an entry in ClinVar:

ClinVar aggregate classification (germline): Uncertain significance. Review status: criteria provided, multiple submitters, no conflicts (2 of 4 stars). 2 submissions from 2 submitters: Uncertain significance (2). Last evaluated 2024-08-09.

Conditions:
Macrocephaly-developmental delay syndrome (MRT41). Also called: INTELLECTUAL DEVELOPMENTAL DISORDER, AUTOSOMAL RECESSIVE 41. Identifiers: Orphanet 397612, MedGen C3810225, MONDO:0014289, OMIM 615637.

Allele frequency attached by ClinVar (database versions not stated): TOPMed below 0.00001; gnomAD exomes 0.00001.
gnomAD v4.1: 6 of 1,593,244 alleles (0.00038%); highest among the groups gnomAD compares: Middle Eastern, 0.05%; no homozygotes.

Submissions (2):

Revvity Omics, Revvity
Classification: Uncertain significance for Macrocephaly-developmental delay syndrome. Last evaluated: 2024-08-09. Review status: criteria provided, single submitter. Criteria: ACMG Guidelines, 2015. Collection method: clinical testing. Allele origin: germline.

GeneDx
Classification: Uncertain significance. Last evaluated: 2022-10-05. Review status: criteria provided, single submitter. Criteria: GeneDx Variant Classification Process June 2021. Collection method: clinical testing. Allele origin: germline. Affected: yes.
Comment: In silico analysis supports that this missense variant does not alter protein structure/function; Not observed at significant frequency in large population cohorts (gnomAD); This variant is associated with the following publications: (PMID: 36181241)

NM_007059.4(KPTN):c.301T>G (p.Phe101Val)

Gene: KPTN (kaptin, actin binding protein; minus strand). Cytogenetic location: 19q13.32.
Variant type: single nucleotide variant.
Coding change: c.301T>G on transcript NM_007059.4 (MANE Select); coding-DNA position 301, T replaced by G.
Protein change: p.Phe101Val; replaces phenylalanine 101 with valine.
Molecular consequence: missense variant. On other transcripts: non-coding transcript variant (1), intron variant (1).
Genome position (GRCh38, 1-based): chr19:47,483,510, A>C on the plus strand (T>G on the coding strand, the complement: KPTN is on the minus strand). VCF-style: chr19-47483510-A-C. GRCh37 (hg19) VCF-style: chr19-47986767-A-C.
Other names: c.227-295T>G (NM_001291296.2); short protein forms F101V.
Identifiers: ClinVar variation 2497857 (VCV002497857.2), dbSNP rs976524735, ClinGen allele CA309197181.